The following is an entry in ClinVar:

NM_001353108.3(CEP63):c.791C>T (p.Ala264Val)

Gene: CEP63 (centrosomal protein 63; plus strand). Cytogenetic location: 3q22.2.
Variant type: single nucleotide variant.
Coding change: c.791C>T on transcript NM_001353108.3 (MANE Select); coding-DNA position 791, C replaced by T.
Protein change: p.Ala264Val; replaces alanine 264 with valine.
Molecular consequence: missense variant. On other transcripts: non-coding transcript variant (4).
Genome position (GRCh38, 1-based): chr3:134,546,150, C>T. VCF-style: chr3-134546150-C-T. GRCh37 (hg19) VCF-style: chr3-134264992-C-T.
Other names: c.791C>T, p.Ala264Val (NM_001042383.2, NM_001042384.2, NM_001042400.3 and 13 more transcripts); c.818C>T, p.Ala273Val (NM_001353118.1); c.707C>T, p.Ala236Val (NM_001353125.2); c.428C>T, p.Ala143Val (NM_001353126.2); short protein forms A143V, A236V, A273V, A264V.
Identifiers: ClinVar variation 2120261 (VCV002120261.4), dbSNP rs2546969108, ClinGen allele CA354628980.
Genomic context (GRCh38, chr3:134,546,150, plus strand): 5'-GCAGGTTCTGCAGGAATTAAAAAGAAGGAAAATTATAATCATATTTGACTTTTTTGCAGG[C>T]TCTGCAGGAAGAAAAGAGAGAATTGAAGGCAGCTCTTCAGTCTCAAGAAAATCTCATACA-3'
Protein context (NP_001340037.1, residues 254-274): KLRESEKLLE[Ala264Val]LQEEKRELKA

ClinVar aggregate classification (germline): Uncertain significance (1 of 4 stars; one submission).

Submission:

Labcorp Genetics (formerly Invitae), Labcorp
Classification: Uncertain significance. Last evaluated: 2022-10-05. Review status: criteria provided, single submitter. Criteria: Invitae Variant Classification Sherloc (09022015). Collection method: clinical testing. Allele origin: germline.
Comment: This variant is not present in population databases (gnomAD no frequency). This sequence change replaces alanine, which is neutral and non-polar, with valine, which is neutral and non-polar, at codon 264 of the CEP63 protein (p.Ala264Val). This variant has not been reported in the literature in individuals affected with CEP63-related conditions. Algorithms developed to predict the effect of missense changes on protein structure and function output the following: SIFT: "Tolerated"; PolyPhen-2: "Benign"; Align-GVGD: "Class C0". The valine amino acid residue is found in multiple mammalian species, which suggests that this missense change does not adversely affect protein function. In summary, the available evidence is currently insufficient to determine the role of this variant in disease. Therefore, it has been classified as a Variant of Uncertain Significance.